The following is an entry in ClinVar:

ClinVar aggregate classification (germline): Likely benign (0 of 4 stars; one submission).

Conditions:
PLXNA4-related disorder. Also called: PLXNA4-related condition.

Submission:

PreventionGenetics, part of Exact Sciences
Classification: Likely benign for PLXNA4-related condition. Last evaluated: 2023-12-04. Review status: no assertion criteria provided. Collection method: clinical testing. Allele origin: germline.
Comment: This variant is classified as likely benign based on ACMG/AMP sequence variant interpretation guidelines (Richards et al. 2015 PMID: 25741868, with internal and published modifications).

NM_020911.2(PLXNA4):c.3492+9A>T

Gene: PLXNA4 (plexin A4; minus strand). Cytogenetic location: 7q32.3.
Variant type: single nucleotide variant.
Coding change: c.3492+9A>T on transcript NM_020911.2 (MANE Select); 9 bases into the intron after coding-DNA position 3492, A replaced by T.
Molecular consequence: intron variant.
Genome position (GRCh38, 1-based): chr7:132,181,372, T>A on the plus strand (A>T on the coding strand, the complement: PLXNA4 is on the minus strand). VCF-style: chr7-132181372-T-A. GRCh37 (hg19) VCF-style: chr7-131866131-T-A.
Other names: c.3492+9A>T (NM_001393897.1).
Identifiers: ClinVar variation 3038370 (VCV003038370.2), dbSNP rs1796698631, ClinGen allele CA1107315378.